The following is an entry in ClinVar:

NM_000334.4(SCN4A):c.256TAC[1] (p.Tyr87del)

Gene: SCN4A (sodium voltage-gated channel alpha subunit 4; minus strand). Cytogenetic location: 17q23.3.
Variant type: Microsatellite.
Coding change: c.256TAC[1] on transcript NM_000334.4 (MANE Select); one copy of the 3-base unit TAC starting at c.256; the reference has two copies in a row; one copy, 3 bases deleted; also written c.259_261del.
Protein change: p.Tyr87del; deletes tyrosine 87.
Genome position (GRCh38, 1-based): chr17:63,972,581-63,972,583, GTA deleted on the plus strand (TAC on the coding strand, the reverse complement: SCN4A is on the minus strand); deleting any 3 consecutive bases within chr17:63,972,581-63,972,587 gives the same sequence; the position shown is the placement nearest the transcript's 3' end. VCF-style (leftmost placement, unchanged base first): chr17-63972580-TGTA-T. GRCh37 (hg19) VCF-style: chr17-62049940-TGTA-T.
Other names: c.259_261del (NM_000334.4); short protein forms Y87del.
Identifiers: ClinVar variation 3667629 (VCV003667629.3).

ClinVar aggregate classification (germline): Uncertain significance. Review status: criteria provided, multiple submitters, no conflicts (2 of 4 stars). 2 submissions from 2 submitters: Uncertain significance (2). Last evaluated 2025-02-09.

Conditions:
Hyperkalemic periodic paralysis. Also called: Familial hyperkalemic periodic paralysis; Gamstorp disease. Identifiers: Orphanet 682, MedGen C0238357, MONDO:0008224, OMIM 170500, HP:0007215.

Submissions (2):

Labcorp Genetics (formerly Invitae), Labcorp
Classification: Uncertain significance for Hyperkalemic periodic paralysis. Last evaluated: 2025-02-09. Review status: criteria provided, single submitter. Criteria: Invitae Variant Classification Sherloc (09022015). Collection method: clinical testing. Allele origin: germline.
Comment: This variant, c.259_261del, results in the deletion of 1 amino acid(s) of the SCN4A protein (p.Tyr87del), but otherwise preserves the integrity of the reading frame. This variant is not present in population databases (gnomAD no frequency). This variant has not been reported in the literature in individuals affected with SCN4A-related conditions. Experimental studies and prediction algorithms are not available or were not evaluated, and the functional significance of this variant is currently unknown. In summary, the available evidence is currently insufficient to determine the role of this variant in disease. Therefore, it has been classified as a Variant of Uncertain Significance.

Revvity Omics, Revvity
Classification: Uncertain significance. Last evaluated: 2024-07-01. Review status: criteria provided, single submitter. Criteria: ACMG Guidelines, 2015. Collection method: clinical testing. Allele origin: germline.